The following is an entry in ClinVar:

NM_000179.3(MSH6):c.1131G>T (p.Lys377Asn)

Gene: MSH6 (mutS homolog 6; plus strand). Cytogenetic location: 2p16.3.
Variant type: single nucleotide variant.
Coding change: c.1131G>T on transcript NM_000179.3 (MANE Select); coding-DNA position 1131, G replaced by T.
Protein change: p.Lys377Asn; replaces lysine 377 with asparagine.
Molecular consequence: missense variant.
Genome position (GRCh38, 1-based): chr2:47,799,114, G>T. VCF-style: chr2-47799114-G-T. GRCh37 (hg19) VCF-style: chr2-48026253-G-T.
Other names: c.741G>T, p.Lys247Asn (NM_001281492.2); c.225G>T, p.Lys75Asn (NM_001281493.2, NM_001281494.2); short protein forms K377N, K247N, K75N.
Identifiers: ClinVar variation 237126 (VCV000237126.13), dbSNP rs878853699, ClinGen allele CA10582043.

ClinVar aggregate classification (germline): Uncertain significance. Review status: criteria provided, multiple submitters, no conflicts (2 of 4 stars). 2 submissions from 2 submitters: Uncertain significance (2). Last evaluated 2025-11-17.

Conditions:
Hereditary nonpolyposis colorectal neoplasms. Identifiers: MedGen C0009405, MeSH D003123.
Hereditary cancer-predisposing syndrome. Also called: Hereditary neoplastic syndrome; Hereditary Cancer Syndrome; Neoplastic Syndromes, Hereditary; Tumor predisposition. Identifiers: Orphanet 140162, MedGen C0027672, MeSH D009386, MONDO:0015356.

gnomAD v4.1: 3 of 1,614,180 alleles (0.00019%); highest among the groups gnomAD compares: African/African-American, 0.004%; no homozygotes.

Submissions (2):

Labcorp Genetics (formerly Invitae), Labcorp
Classification: Uncertain significance for Hereditary nonpolyposis colorectal neoplasms. Last evaluated: 2025-11-17. Review status: criteria provided, single submitter. Criteria: Invitae Variant Classification Sherloc (09022015). Collection method: clinical testing. Allele origin: germline.
Comment: This sequence change replaces lysine, which is basic and polar, with asparagine, which is neutral and polar, at codon 377 of the MSH6 protein (p.Lys377Asn). This variant is not present in population databases (gnomAD no frequency). This variant has not been reported in the literature in individuals affected with MSH6-related conditions. ClinVar contains an entry for this variant (Variation ID: 237126). Invitae Evidence Modeling of protein sequence and biophysical properties (such as structural, functional, and spatial information, amino acid conservation, physicochemical variation, residue mobility, and thermodynamic stability) indicates that this missense variant is not expected to disrupt MSH6 protein function with a negative predictive value of 95%. In summary, the available evidence is currently insufficient to determine the role of this variant in disease. Therefore, it has been classified as a Variant of Uncertain Significance.

Ambry Genetics
Classification: Uncertain significance for Hereditary cancer-predisposing syndrome. Last evaluated: 2023-08-21. Review status: criteria provided, single submitter. Criteria: Ambry Variant Classification Scheme 2023. Collection method: clinical testing. Allele origin: germline.
Comment: The p.K377N variant (also known as c.1131G>T), located in coding exon 4 of the MSH6 gene, results from a G to T substitution at nucleotide position 1131. The lysine at codon 377 is replaced by asparagine, an amino acid with similar properties. This amino acid position is well conserved in available vertebrate species. In addition, this alteration is predicted to be tolerated by in silico analysis. Since supporting evidence is limited at this time, the clinical significance of this alteration remains unclear.